The following is an entry in ClinVar:

ClinVar aggregate classification (germline): Uncertain significance (1 of 4 stars; one submission).

Submission:

Ambry Genetics
Classification: Uncertain significance. Last evaluated: 2025-09-10. Review status: criteria provided, single submitter. Criteria: Ambry Variant Classification Scheme 2023. Collection method: clinical testing. Allele origin: germline.
Comment: The p.N102K variant (also known as c.306C>G), located in coding exon 1 of the EGLN1 gene, results from a C to G substitution at nucleotide position 306. The asparagine at codon 102 is replaced by lysine, an amino acid with similar properties. This amino acid position is conserved. In addition, this alteration is predicted to be tolerated by in silico analysis. Based on the available evidence, the clinical significance of this variant remains unclear.

NM_022051.3(EGLN1):c.306C>G (p.Asn102Lys)

Gene: EGLN1 (egl-9 family hypoxia inducible factor 1; minus strand). Cytogenetic location: 1q42.2.
Variant type: single nucleotide variant.
Coding change: c.306C>G on transcript NM_022051.3 (MANE Select); coding-DNA position 306, C replaced by G.
Protein change: p.Asn102Lys; replaces asparagine 102 with lysine.
Molecular consequence: missense variant.
Genome position (GRCh38, 1-based): chr1:231,421,583, G>C on the plus strand (C>G on the coding strand, the complement: EGLN1 is on the minus strand). VCF-style: chr1-231421583-G-C. GRCh37 (hg19) VCF-style: chr1-231557329-G-C.
Other names: c.306C>G, p.Asn102Lys (NM_001377260.1, NM_001377261.1); short protein forms N102K.
Identifiers: ClinVar variation 4247404 (VCV004247404.1).
Genomic context (GRCh38, chr1:231,421,583, plus strand): 5'-CGCCGCTGGGTCGGCCGGGGGCTTGGCCTTTACTTTTCCCTTGGCCGCGTCCCCGGAGGC[G>C]TTGTCCCGGCGCGCCGCTGCCTTCCTGGGCTCCCGGGCCCCGGCCCTGGGCGGCGGCACT-3'
Protein context (NP_071334.1, residues 92-112): EPRKAAARRD[Asn102Lys]ASGDAAKGKV